The following is an entry in ClinVar:

ClinVar aggregate classification (germline): Uncertain significance (1 of 4 stars; one submission).

gnomAD v4.1: 2 of 1,613,892 alleles (0.00012%); highest among the groups gnomAD compares: Non-Finnish European, 0.000085%; no homozygotes.

Submission:

Labcorp Genetics (formerly Invitae), Labcorp
Classification: Uncertain significance. Last evaluated: 2025-02-26. Review status: criteria provided, single submitter. Criteria: Invitae Variant Classification Sherloc (09022015). Collection method: clinical testing. Allele origin: germline.
Comment: This sequence change replaces glycine, which is neutral and non-polar, with aspartic acid, which is acidic and polar, at codon 671 of the COL4A2 protein (p.Gly671Asp). This variant is not present in population databases (gnomAD no frequency). This variant has not been reported in the literature in individuals affected with COL4A2-related conditions. An algorithm developed to predict the effect of missense changes on protein structure and function outputs the following: PolyPhen-2: "Benign". The aspartic acid amino acid residue is found in multiple mammalian species, which suggests that this missense change does not adversely affect protein function. In summary, the available evidence is currently insufficient to determine the role of this variant in disease. Therefore, it has been classified as a Variant of Uncertain Significance.

NM_001846.4(COL4A2):c.2012G>A (p.Gly671Asp)

Gene: COL4A2 (collagen type IV alpha 2 chain; plus strand). Cytogenetic location: 13q34.
Variant type: single nucleotide variant.
Coding change: c.2012G>A on transcript NM_001846.4 (MANE Select); coding-DNA position 2012, G replaced by A.
Protein change: p.Gly671Asp; replaces glycine 671 with aspartic acid.
Molecular consequence: missense variant.
Genome position (GRCh38, 1-based): chr13:110,466,036, G>A. VCF-style: chr13-110466036-G-A. GRCh37 (hg19) VCF-style: chr13-111118383-G-A.
Other names: short protein forms G671D.
Identifiers: ClinVar variation 4701476 (VCV004701476.1).
Genomic context (GRCh38, chr13:110,466,036, plus strand): 5'-CACTCTGTCCTTATGTCTTCCCCCCAGATTGTGACACAGATGTGAAAAGGGCCGTTGGAG[G>A]TGACAGACAGGAGGCCATCCAGCCAGGTACTCTGGGAAGTGCAGGTGGCTTTAGGACACT-3'
Protein context (NP_001837.2, residues 661-681): CDTDVKRAVG[Gly671Asp]DRQEAIQPGC